The following is an entry in ClinVar:

NM_006514.4(SCN10A):c.4562G>A (p.Gly1521Asp)

Gene: SCN10A (sodium voltage-gated channel alpha subunit 10; minus strand). Cytogenetic location: 3p22.2.
Variant type: single nucleotide variant.
Coding change: c.4562G>A on transcript NM_006514.4 (MANE Select); coding-DNA position 4562, G replaced by A.
Protein change: p.Gly1521Asp; replaces glycine 1521 with aspartic acid.
Molecular consequence: missense variant.
Genome position (GRCh38, 1-based): chr3:38,701,934, C>T on the plus strand (G>A on the coding strand, the complement: SCN10A is on the minus strand). VCF-style: chr3-38701934-C-T. GRCh37 (hg19) VCF-style: chr3-38743425-C-T.
Other names: c.4559G>A, p.Gly1520Asp (NM_001293306.2); c.4268G>A, p.Gly1423Asp (NM_001293307.2); short protein forms G1520D, G1423D, G1521D.
Identifiers: ClinVar variation 1926051 (VCV001926051.5), dbSNP rs1219508254, ClinGen allele CA352146051.
Genomic context (GRCh38, chr3:38,701,934, plus strand): 5'-ACATTCCAGCCATTTGTGAAGTAGTACTGCCTCAAAGCGAACATCTTCATGACACATTCG[C>T]CTGTGAAGACGGCCACAAAGAACTGGTTGATTTTGCCCAGAATTTTCGTCTTTTCTTCAC-3'
Protein context (NP_006505.4, residues 1511-1531): INQFFVAVFT[Gly1521Asp]ECVMKMFALR

ClinVar aggregate classification (germline): Uncertain significance (1 of 4 stars; one submission).

Conditions:
Brugada syndrome. Also called: Sudden unexplained nocturnal death syndrome; Sudden Unexplained Death Syndrome; Sudden Unexplained Nocturnal Death Syndrome (SUNDS); Sudden unexpected nocturnal death syndrome. Identifiers: Orphanet 130, MedGen C1142166, MONDO:0015263.

Allele frequency attached by ClinVar (database versions not stated): gnomAD 0.00001.
gnomAD v4.1: 5 of 1,614,080 alleles (0.00031%); highest among the groups gnomAD compares: Non-Finnish European, 0.00042%; no homozygotes.

Submission:

Labcorp Genetics (formerly Invitae), Labcorp
Classification: Uncertain significance for Brugada syndrome. Last evaluated: 2024-11-24. Review status: criteria provided, single submitter. Criteria: Invitae Variant Classification Sherloc (09022015). Collection method: clinical testing. Allele origin: germline.
Comment: This sequence change replaces glycine, which is neutral and non-polar, with aspartic acid, which is acidic and polar, at codon 1521 of the SCN10A protein (p.Gly1521Asp). This variant is not present in population databases (gnomAD no frequency). This missense change has been observed in individual(s) with small fiber neuropathy (PMID: 25250524). ClinVar contains an entry for this variant (Variation ID: 1926051). Invitae Evidence Modeling of protein sequence and biophysical properties (such as structural, functional, and spatial information, amino acid conservation, physicochemical variation, residue mobility, and thermodynamic stability) indicates that this missense variant is not expected to disrupt SCN10A protein function with a negative predictive value of 80%. In summary, the available evidence is currently insufficient to determine the role of this variant in disease. Therefore, it has been classified as a Variant of Uncertain Significance.

Literature cited by the submitters: PubMed 25250524.